The following is an entry in ClinVar:

NM_006648.4(WNK2):c.6133C>G (p.Pro2045Ala)

Gene: WNK2 (WNK lysine deficient protein kinase 2; plus strand). Cytogenetic location: 9q22.31.
Variant type: single nucleotide variant.
Coding change: c.6133C>G on transcript NM_006648.4 (MANE Select); coding-DNA position 6133, C replaced by G.
Protein change: p.Pro2045Ala; replaces proline 2045 with alanine.
Molecular consequence: missense variant.
Genome position (GRCh38, 1-based): chr9:93,300,068, C>G. VCF-style: chr9-93300068-C-G. GRCh37 (hg19) VCF-style: chr9-96062350-C-G.
Other names: c.6244C>G, p.Pro2082Ala (NM_001282394.3); short protein forms P2045A, P2082A.
Identifiers: ClinVar variation 4866703 (VCV004866703.1).
Genomic context (GRCh38, chr9:93,300,068, plus strand): 5'-GATGAGTGTCTCTTTGTTTTCTTCCCTTTATATTCATTTGCAGGCTGGACGGTTTACCAC[C>G]CAACGTCTGAGAGAGTGACCTATAAGTCTAGTAGCAAACCTCGTGCTCGATTCCTCAGTG-3'
Protein context (NP_006639.3, residues 2035-2055): ARGQGWTVYH[Pro2045Ala]TSERVTYKSS

ClinVar aggregate classification (germline): Uncertain significance (1 of 4 stars; one submission).

Submission:

Ambry Genetics
Classification: Uncertain significance. Last evaluated: 2026-05-24. Review status: criteria provided, single submitter. Criteria: Ambry Variant Classification Scheme 2023. Collection method: clinical testing. Allele origin: germline.
Comment: The p.P2045A variant (also known as c.6133C>G), located in coding exon 25 of the WNK2 gene, results from a C to G substitution at nucleotide position 6133. The proline at codon 2045 is replaced by alanine, an amino acid with highly similar properties. This amino acid position is conserved. In addition, this alteration is predicted to be tolerated by in silico analysis. Based on the available evidence, the clinical significance of this variant remains unclear.